The following is an entry in ClinVar:

ClinVar aggregate classification (germline): Uncertain significance (1 of 4 stars; one submission).

Conditions:
Left ventricular noncompaction 8 (LVNC8). Identifiers: Orphanet 154, Orphanet 54260, MedGen C3809288, MONDO:0014152, OMIM 615373.

Submission:

Labcorp Genetics (formerly Invitae), Labcorp
Classification: Uncertain significance for Left ventricular noncompaction 8. Last evaluated: 2025-08-06. Review status: criteria provided, single submitter. Criteria: Invitae Variant Classification Sherloc (09022015). Collection method: clinical testing. Allele origin: germline.
Comment: This sequence change replaces valine, which is neutral and non-polar, with alanine, which is neutral and non-polar, at codon 1118 of the PRDM16 protein (p.Val1118Ala). This variant is not present in population databases (gnomAD no frequency). This variant has not been reported in the literature in individuals affected with PRDM16-related conditions. An algorithm developed to predict the effect of missense changes on protein structure and function outputs the following: PolyPhen-2: "Benign". The alanine amino acid residue is found in multiple mammalian species, which suggests that this missense change does not adversely affect protein function. In summary, the available evidence is currently insufficient to determine the role of this variant in disease. Therefore, it has been classified as a Variant of Uncertain Significance.

NM_022114.4(PRDM16):c.3353T>C (p.Val1118Ala)

Gene: PRDM16 (PR/SET domain 16; plus strand). Cytogenetic location: 1p36.32.
Variant type: single nucleotide variant.
Coding change: c.3353T>C on transcript NM_022114.4 (MANE Select); coding-DNA position 3353, T replaced by C.
Protein change: p.Val1118Ala; replaces valine 1118 with alanine.
Molecular consequence: missense variant.
Genome position (GRCh38, 1-based): chr1:3,430,940, T>C. VCF-style: chr1-3430940-T-C. GRCh37 (hg19) VCF-style: chr1-3347504-T-C.
Other names: c.3353T>C, p.Val1118Ala (NM_199454.3); short protein forms V1118A.
Identifiers: ClinVar variation 4737070 (VCV004737070.1).